The following is an entry in ClinVar:

ClinVar aggregate classification (germline): Uncertain significance (1 of 4 stars; one submission).

Submission:

Labcorp Genetics (formerly Invitae), Labcorp
Classification: Uncertain significance. Last evaluated: 2025-08-19. Review status: criteria provided, single submitter. Criteria: Invitae Variant Classification Sherloc (09022015). Collection method: clinical testing. Allele origin: germline.
Comment: This sequence change replaces lysine, which is basic and polar, with glutamic acid, which is acidic and polar, at codon 239 of the SIAE protein (p.Lys239Glu). This variant is not present in population databases (gnomAD no frequency). This variant has not been reported in the literature in individuals affected with SIAE-related conditions. An algorithm developed to predict the effect of missense changes on protein structure and function (PolyPhen-2) suggests that this variant is likely to be tolerated. In summary, the available evidence is currently insufficient to determine the role of this variant in disease. Therefore, it has been classified as a Variant of Uncertain Significance.

NM_170601.5(SIAE):c.715A>G (p.Lys239Glu)

Gene: SIAE (sialic acid acetylesterase; minus strand). Cytogenetic location: 11q24.2.
Variant type: single nucleotide variant.
Coding change: c.715A>G on transcript NM_170601.5 (MANE Select); coding-DNA position 715, A replaced by G.
Protein change: p.Lys239Glu; replaces lysine 239 with glutamic acid.
Molecular consequence: missense variant.
Genome position (GRCh38, 1-based): chr11:124,649,626, T>C on the plus strand (A>G on the coding strand, the complement: SIAE is on the minus strand). VCF-style: chr11-124649626-T-C. GRCh37 (hg19) VCF-style: chr11-124519522-T-C.
Other names: c.610A>G, p.Lys204Glu (NM_001199922.2); short protein forms K204E, K239E.
Identifiers: ClinVar variation 4763880 (VCV004763880.1).